The following is an entry in ClinVar:

ClinVar aggregate classification (germline): Uncertain significance (1 of 4 stars; one submission).

Conditions:
Capillary malformation-arteriovenous malformation syndrome. Also called: Capillary malformation-arteriovenous malformation. Identifiers: Orphanet 137667, MedGen C1842180, MONDO:0012016.

Allele frequency attached by ClinVar (database versions not stated): gnomAD 0.00001; TOPMed 0.00002.
gnomAD v4.1: 8 of 1,614,006 alleles (0.0005%); highest among the groups gnomAD compares: African/African-American, 0.008%; no homozygotes.

Submission:

Labcorp Genetics (formerly Invitae), Labcorp
Classification: Uncertain significance for Capillary malformation-arteriovenous malformation syndrome. Last evaluated: 2025-06-23. Review status: criteria provided, single submitter. Criteria: Invitae Variant Classification Sherloc (09022015). Collection method: clinical testing. Allele origin: germline.
Comment: This sequence change replaces serine, which is neutral and polar, with leucine, which is neutral and non-polar, at codon 122 of the RASA1 protein (p.Ser122Leu). This variant is present in population databases (no rsID available, gnomAD 0.007%). This variant has not been reported in the literature in individuals affected with RASA1-related conditions. ClinVar contains an entry for this variant (Variation ID: 2057720). An algorithm developed to predict the effect of missense changes on protein structure and function outputs the following: PolyPhen-2: "Benign". The leucine amino acid residue is found in multiple mammalian species, which suggests that this missense change does not adversely affect protein function. In summary, the available evidence is currently insufficient to determine the role of this variant in disease. Therefore, it has been classified as a Variant of Uncertain Significance.

NM_002890.3(RASA1):c.365C>T (p.Ser122Leu)

Gene: RASA1 (RAS p21 protein activator 1; plus strand). Cytogenetic location: 5q14.3.
Variant type: single nucleotide variant.
Coding change: c.365C>T on transcript NM_002890.3 (MANE Select); coding-DNA position 365, C replaced by T.
Protein change: p.Ser122Leu; replaces serine 122 with leucine.
Molecular consequence: missense variant.
Genome position (GRCh38, 1-based): chr5:87,268,816, C>T. VCF-style: chr5-87268816-C-T. GRCh37 (hg19) VCF-style: chr5-86564633-C-T.
Other names: short protein forms S122L.
Identifiers: ClinVar variation 2057720 (VCV002057720.4), dbSNP rs1187087405, ClinGen allele CA360417253.